The following is an entry in ClinVar:

ClinVar aggregate classification (germline): Pathogenic (1 of 4 stars; one submission).

Conditions:
3-methylcrotonyl-CoA carboxylase 2 deficiency. Also called: METHYLCROTONYLGLYCINURIA, TYPE II; 3 alpha methylcrotonyl-CoA carboxylase 2 deficiency; 3 alpha methylcrotonylglycinuria 2; MCC 2 deficiency; Methylcrotonylglycinuria type 2. Identifiers: Orphanet 6, MedGen C1859499, MONDO:0008862, OMIM 210210.

Submission:

Labcorp Genetics (formerly Invitae), Labcorp
Classification: Pathogenic for 3-methylcrotonyl-CoA carboxylase 2 deficiency. Last evaluated: 2018-10-11. Review status: criteria provided, single submitter. Criteria: Invitae Variant Classification Sherloc (09022015). Collection method: clinical testing. Allele origin: germline.
Comment: This sequence change creates a premature translational stop signal (p.Lys298Glufs*7) in the MCCC2 gene. It is expected to result in an absent or disrupted protein product. This variant is not present in population databases (ExAC no frequency). This variant has not been reported in the literature in individuals with MCCC2-related disease. Loss-of-function variants in MCCC2 are known to be pathogenic (PMID: 11181649, 22642865). For these reasons, this variant has been classified as Pathogenic.

Literature cited by the submitters: PubMed 11181649; PubMed 22642865.

NM_022132.5(MCCC2):c.891_892del (p.Lys298fs)

Gene: MCCC2 (methylcrotonyl-CoA carboxylase subunit 2; plus strand). Cytogenetic location: 5q13.2.
Variant type: Deletion.
Coding change: c.891_892del on transcript NM_022132.5 (MANE Select); coding-DNA positions 891 to 892, 2 bases deleted (GA; older notation c.891_892delGA).
Protein change: p.Lys298fs; shifts the reading frame from lysine 298.
Molecular consequence: frameshift variant.
Genome position (GRCh38, 1-based): chr5:71,635,030-71,635,031, GA deleted; deleting any 2 consecutive bases within chr5:71,635,029-71,635,031 gives the same sequence; the c. name uses the placement nearest the transcript's 3' end. VCF-style (leftmost placement, unchanged base first): chr5-71635028-CAG-C. GRCh37 (hg19) VCF-style: chr5-70930855-CAG-C.
Other names: c.777_778del, p.Lys260fs (NM_001363147.1); short protein forms K298fs, K260fs.
Identifiers: ClinVar variation 641165 (VCV000641165.6), dbSNP rs1580319814, ClinGen allele CA915943389.